The following is an entry in ClinVar:

ClinVar aggregate classification (germline): Uncertain significance (1 of 4 stars; one submission).

Submission:

Laboratory for Molecular Medicine, Mass General Brigham Personalized Medicine
Classification: Uncertain significance. Last evaluated: 2016-06-09. Review status: criteria provided, single submitter. Criteria: LMM Criteria. Collection method: clinical testing. Allele origin: germline. Observed: 2 variant alleles.
Comment: The m.962C>T variant in MTRNR1 has not been previously reported in individuals w ith hearing loss or in public databases. In summary, the clinical significance o f the m.962C>T variant is uncertain.

NC_012920.1(MT-RNR1):m.962C>T

Gene: MT-RNR1 (mitochondrially encoded 12S RNA; plus strand).
Variant type: single nucleotide variant.
Genome position: chrM-962-C-T.
Identifiers: ClinVar variation 505138 (VCV000505138.4), dbSNP rs1556422500, ClinGen allele CA658799929.